The following is an entry in ClinVar:

NM_004974.4(KCNA2):c.980A>T (p.Glu327Val)

Gene: KCNA2 (potassium voltage-gated channel subfamily A member 2; minus strand). Cytogenetic location: 1p13.3.
Variant type: single nucleotide variant.
Coding change: c.980A>T on transcript NM_004974.4 (MANE Select); coding-DNA position 980, A replaced by T.
Protein change: p.Glu327Val; replaces glutamic acid 327 with valine.
Molecular consequence: missense variant. On other transcripts: intron variant (1).
Genome position (GRCh38, 1-based): chr1:110,603,803, T>A on the plus strand (A>T on the coding strand, the complement: KCNA2 is on the minus strand). VCF-style: chr1-110603803-T-A. GRCh37 (hg19) VCF-style: chr1-111146425-T-A.
Other names: c.894+86A>T (NM_001204269.2); short protein forms E327V.
Identifiers: ClinVar variation 1480990 (VCV001480990.6), dbSNP rs2101398077, ClinGen allele CA341602521.

ClinVar aggregate classification (germline): Uncertain significance (1 of 4 stars; one submission).

Conditions:
Developmental and epileptic encephalopathy, 32 (DEE32). Also called: Epileptic encephalopathy, early infantile, 32. Identifiers: Orphanet 442835, MedGen C4225350, MONDO:0014607, OMIM 616366.

Submission:

Labcorp Genetics (formerly Invitae), Labcorp
Classification: Uncertain significance for Developmental and epileptic encephalopathy, 32. Last evaluated: 2021-08-06. Review status: criteria provided, single submitter. Criteria: Invitae Variant Classification Sherloc (09022015). Collection method: clinical testing. Allele origin: germline.
Comment: This sequence change replaces glutamic acid with valine at codon 327 of the KCNA2 protein (p.Glu327Val). The glutamic acid residue is highly conserved and there is a moderate physicochemical difference between glutamic acid and valine. This variant is not present in population databases (ExAC no frequency). This missense change has been observed in individual(s) with autosomal dominant KCNA2-related conditions (Invitae). Advanced modeling of protein sequence and biophysical properties (such as structural, functional, and spatial information, amino acid conservation, physicochemical variation, residue mobility, and thermodynamic stability) performed at Invitae indicates that this missense variant is expected to disrupt KCNA2 protein function. In summary, the available evidence is currently insufficient to determine the role of this variant in disease. Therefore, it has been classified as a Variant of Uncertain Significance.